The following is an entry in ClinVar:

ClinVar aggregate classification (germline): Uncertain significance (1 of 4 stars; one submission).

Conditions:
SHORT syndrome. Also called: SHORT STATURE, HYPEREXTENSIBILITY, HERNIA, OCULAR DEPRESSION, RIEGER ANOMALY, AND TEETHING DELAY; PIK3R1-Related SHORT Syndrome; LIPODYSTROPHY, PARTIAL, WITH RIEGER ANOMALY AND SHORT STATURE. Identifiers: Orphanet 3163, MedGen C0878684, MONDO:0010026, OMIM 269880.
Agammaglobulinemia 7, autosomal recessive (AGM7). Also called: AGAMMAGLOBULINEMIA, AUTOSOMAL RECESSIVE, DUE TO PIK3R1 DEFECT. Identifiers: MedGen C3554689, MONDO:0014083, OMIM 615214.
Immunodeficiency 36 with lymphoproliferation. Also called: ACTIVATED PI3K-DELTA SYNDROME 2; Immunodeficiency 36; Activated PI3K Delta Syndrome Type 2 (APDS2). Identifiers: Orphanet 397596, Orphanet 693681, MedGen C4014934, MONDO:0014453, OMIM 616005.

gnomAD v4.1: 5 of 1,612,310 alleles (0.00031%); highest among the groups gnomAD compares: Non-Finnish European, 0.00042%; no homozygotes.

Submission:

Labcorp Genetics (formerly Invitae), Labcorp
Classification: Uncertain significance for SHORT syndrome; Immunodeficiency 36 with lymphoproliferation; Agammaglobulinemia 7, autosomal recessive. Last evaluated: 2022-09-23. Review status: criteria provided, single submitter. Criteria: Invitae Variant Classification Sherloc (09022015). Collection method: clinical testing. Allele origin: germline.
Comment: In summary, the available evidence is currently insufficient to determine the role of this variant in disease. Therefore, it has been classified as a Variant of Uncertain Significance. This sequence change replaces aspartic acid, which is acidic and polar, with glutamic acid, which is acidic and polar, at codon 664 of the PIK3R1 protein (p.Asp664Glu). This variant is present in population databases (rs114163757, gnomAD 0.0009%). This variant has not been reported in the literature in individuals affected with PIK3R1-related conditions. Advanced modeling of protein sequence and biophysical properties (such as structural, functional, and spatial information, amino acid conservation, physicochemical variation, residue mobility, and thermodynamic stability) performed at Invitae indicates that this missense variant is not expected to disrupt PIK3R1 protein function.

NM_181523.3(PIK3R1):c.1992C>G (p.Asp664Glu)

Gene: PIK3R1 (phosphoinositide-3-kinase regulatory subunit 1; plus strand). Cytogenetic location: 5q13.1.
Variant type: single nucleotide variant.
Coding change: c.1992C>G on transcript NM_181523.3 (MANE Select); coding-DNA position 1992, C replaced by G.
Protein change: p.Asp664Glu; replaces aspartic acid 664 with glutamic acid.
Molecular consequence: missense variant.
Genome position (GRCh38, 1-based): chr5:68,297,418, C>G. VCF-style: chr5-68297418-C-G. GRCh37 (hg19) VCF-style: chr5-67593246-C-G.
Other names: c.903C>G, p.Asp301Glu (NM_001242466.2); c.1182C>G, p.Asp394Glu (NM_181504.4); c.1092C>G, p.Asp364Glu (NM_181524.2); short protein forms D394E, D301E, D364E, D664E.
Identifiers: ClinVar variation 2113469 (VCV002113469.4), dbSNP rs114163757, ClinGen allele CA3290543.
Genomic context (GRCh38, chr5:68,297,418, plus strand): 5'-TTGTGAATTGTCTTGGACAAGCTCAAAAGACAGTTTTTCTTCTCTCCTCTCTAGGGTGGA[C>G]GGCGAAGTAAAGCATTGTGTCATAAACAAAACAGCAACTGGCTATGGCTTTGCCGAGCCC-3'
Protein context (NP_852664.1, residues 654-674): QGCYACSVVV[Asp664Glu]GEVKHCVINK